The following is an entry in ClinVar:

NM_018474.6(KIZ):c.405+10T>C

Gene: KIZ (kizuna centrosomal protein; plus strand). Cytogenetic location: 20p11.23.
Variant type: single nucleotide variant.
Coding change: c.405+10T>C on transcript NM_018474.6 (MANE Select); 10 bases into the intron after coding-DNA position 405, T replaced by C.
Molecular consequence: intron variant.
Genome position (GRCh38, 1-based): chr20:21,145,664, T>C. VCF-style: chr20-21145664-T-C. GRCh37 (hg19) VCF-style: chr20-21126305-T-C.
Other names: c.258+10T>C (NM_001276389.2); c.63+10T>C (NM_001352436.2); c.405+10T>C (NM_001352434.2, NM_018474.5); c.96+10T>C (NM_001163022.3, NM_001352435.2); c.6+13505T>C (NM_001163023.3).
Identifiers: ClinVar variation 728539 (VCV000728539.23), dbSNP rs372556437, ClinGen allele CA9784633.
Genomic context (GRCh38, chr20:21,145,664, plus strand): 5'-AAAGATAGCCTGGGACTAAAAGAGGAACTGACAGATGAAGACAGAGAAAAGGTAATAAAC[T>C]AAATTGGTAACCTTTCTGTTAACAGAGGAATTCTGGAGTGTTTATATCTTGAGATATTGT-3'

ClinVar aggregate classification (germline): Likely benign. Review status: criteria provided, multiple submitters, no conflicts (2 of 4 stars). 4 submissions from 4 submitters: Likely benign (4). Last evaluated 2026-02-19.

Conditions:
KIZ-related disorder. Also called: KIZ-related condition.

Allele frequency attached by ClinVar (database versions not stated): 1000 Genomes Project 30x 0.00031; 1000 Genomes Project 0.00040; ESP Exome Variant Server 0.00055; TOPMed 0.00084; gnomAD 0.00092 and 0.00095; gnomAD exomes 0.00095 and 0.00161; ExAC 0.00148.
gnomAD v4.1: 1,920 of 1,256,318 alleles (0.15%); highest among the groups gnomAD compares: Non-Finnish European, 0.19%; 9 homozygotes.

Submissions (4):

PreventionGenetics, part of Exact Sciences
Classification: Likely benign for KIZ-related condition. Last evaluated: 2026-02-19. Review status: criteria provided, single submitter. Criteria: ACMG Guidelines, 2015. Collection method: clinical testing. Allele origin: germline.
Comment: This variant is classified as likely benign based on ACMG/AMP sequence variant interpretation guidelines (Richards et al. 2015 PMID: 25741868, with internal and published modifications).

Labcorp Genetics (formerly Invitae), Labcorp
Classification: Likely benign. Last evaluated: 2025-10-21. Review status: criteria provided, single submitter. Criteria: Invitae Variant Classification Sherloc (09022015). Collection method: clinical testing. Allele origin: germline.

Blueprint Genetics
Classification: Likely benign. Last evaluated: 2024-11-25. Review status: criteria provided, single submitter. Criteria: ACMG Guidelines, 2015. Collection method: clinical testing. Allele origin: germline.

ARUP Laboratories, Molecular Genetics and Genomics, ARUP Laboratories
Classification: Likely benign. Last evaluated: 2022-03-02. Review status: criteria provided, single submitter. Criteria: ARUP Molecular Germline Variant Investigation Process 2021. Collection method: clinical testing. Allele origin: germline.